The following is an entry in ClinVar:

ClinVar aggregate classification (germline): Uncertain significance (1 of 4 stars; one submission).

Submission:

Labcorp Genetics (formerly Invitae), Labcorp
Classification: Uncertain significance. Last evaluated: 2021-05-07. Review status: criteria provided, single submitter. Criteria: Invitae Variant Classification Sherloc (09022015). Collection method: clinical testing. Allele origin: germline.
Comment: In summary, the available evidence is currently insufficient to determine the role of this variant in disease. Therefore, it has been classified as a Variant of Uncertain Significance. Algorithms developed to predict the effect of missense changes on protein structure and function output the following: SIFT: "Tolerated"; PolyPhen-2: "Benign"; Align-GVGD: "Class C0". The serine amino acid residue is found in multiple mammalian species, suggesting that this missense change does not adversely affect protein function. These predictions have not been confirmed by published functional studies and their clinical significance is uncertain. This variant has not been reported in the literature in individuals with MYLK3-related conditions. This variant is not present in population databases (ExAC no frequency). This sequence change replaces proline with serine at codon 157 of the MYLK3 protein (p.Pro157Ser). The proline residue is moderately conserved and there is a moderate physicochemical difference between proline and serine.

NM_182493.3(MYLK3):c.469C>T (p.Pro157Ser)

Gene: MYLK3 (myosin light chain kinase 3; minus strand). Cytogenetic location: 16q11.2.
Variant type: single nucleotide variant.
Coding change: c.469C>T on transcript NM_182493.3 (MANE Select); coding-DNA position 469, C replaced by T.
Protein change: p.Pro157Ser; replaces proline 157 with serine.
Molecular consequence: missense variant. On other transcripts: intron variant (1).
Genome position (GRCh38, 1-based): chr16:46,747,725, G>A on the plus strand (C>T on the coding strand, the complement: MYLK3 is on the minus strand). VCF-style: chr16-46747725-G-A. GRCh37 (hg19) VCF-style: chr16-46781637-G-A.
Other names: c.-113-7578C>T (NM_001308301.1); short protein forms P157S.
Identifiers: ClinVar variation 1513287 (VCV001513287.8), dbSNP rs2143017152, ClinGen allele CA395796741.